The following is an entry in ClinVar:

ClinVar aggregate classification (germline): Uncertain significance (1 of 4 stars; one submission).

Submission:

Labcorp Genetics (formerly Invitae), Labcorp
Classification: Uncertain significance. Last evaluated: 2025-06-22. Review status: criteria provided, single submitter. Criteria: Invitae Variant Classification Sherloc (09022015). Collection method: clinical testing. Allele origin: germline.
Comment: This sequence change replaces asparagine, which is neutral and polar, with lysine, which is basic and polar, at codon 1772 of the SNRNP200 protein (p.Asn1772Lys). This variant is not present in population databases (gnomAD no frequency). This variant has not been reported in the literature in individuals affected with SNRNP200-related conditions. Invitae Evidence Modeling of protein sequence and biophysical properties (such as structural, functional, and spatial information, amino acid conservation, physicochemical variation, residue mobility, and thermodynamic stability) indicates that this missense variant is not expected to disrupt SNRNP200 protein function with a negative predictive value of 95%. In summary, the available evidence is currently insufficient to determine the role of this variant in disease. Therefore, it has been classified as a Variant of Uncertain Significance.

NM_014014.5(SNRNP200):c.5316C>A (p.Asn1772Lys)

Genes: SNRNP200 (small nuclear ribonucleoprotein U5 subunit 200; minus strand), LOC126806272 (BRD4-independent group 4 enhancer GRCh37_chr2:96944520-96945719; plus strand). Cytogenetic location: 2q11.2.
Variant type: single nucleotide variant.
Coding change: c.5316C>A on transcript NM_014014.5 (MANE Select); coding-DNA position 5316, C replaced by A.
Protein change: p.Asn1772Lys; replaces asparagine 1772 with lysine.
Molecular consequence: missense variant.
Genome position (GRCh38, 1-based): chr2:96,278,816, G>T on the plus strand (C>A on the coding strand, the complement: SNRNP200 is on the minus strand). VCF-style: chr2-96278816-G-T. GRCh37 (hg19) VCF-style: chr2-96944554-G-T.
Other names: short protein forms N1772K.
Identifiers: ClinVar variation 4711500 (VCV004711500.1).